The following is an entry in ClinVar:

ClinVar aggregate classification (germline): Uncertain significance (1 of 4 stars; one submission).

Conditions:
Hereditary cancer-predisposing syndrome. Also called: Tumor predisposition; Neoplastic Syndromes, Hereditary; Hereditary neoplastic syndrome; Hereditary Cancer Syndrome. Identifiers: Orphanet 140162, MedGen C0027672, MeSH D009386, MONDO:0015356.

Submission:

Ambry Genetics
Classification: Uncertain significance for Hereditary cancer-predisposing syndrome. Last evaluated: 2025-08-27. Review status: criteria provided, single submitter. Criteria: Ambry Variant Classification Scheme 2023. Collection method: clinical testing. Allele origin: germline.
Comment: The p.T468S variant (also known as c.1402A>T), located in coding exon 14 of the MUTYH gene, results from an A to T substitution at nucleotide position 1402. The threonine at codon 468 is replaced by serine, an amino acid with similar properties. This amino acid position is conserved. In addition, this alteration is predicted to be tolerated by in silico analysis. Based on the available evidence, the clinical significance of this variant remains unclear.

NM_001048174.2(MUTYH):c.1318A>T (p.Thr440Ser)

Gene: MUTYH (mutY DNA glycosylase; minus strand). Cytogenetic location: 1p34.1.
Variant type: single nucleotide variant.
Coding change: c.1318A>T on transcript NM_001048174.2 (MANE Select); coding-DNA position 1318, A replaced by T.
Protein change: p.Thr440Ser; replaces threonine 440 with serine.
Molecular consequence: missense variant. On other transcripts: non-coding transcript variant (7).
Genome position (GRCh38, 1-based): chr1:45,331,256, T>A on the plus strand (A>T on the coding strand, the complement: MUTYH is on the minus strand). VCF-style: chr1-45331256-T-A. GRCh37 (hg19) VCF-style: chr1-45796928-T-A.
Other names: c.1321A>T, p.Thr441Ser (NM_001407078.1, NM_001407086.1, NM_001048172.2 and 1 more transcripts); c.1279A>T, p.Thr427Ser (NM_001407079.1); c.1276A>T, p.Thr426Ser (NM_001407080.1); c.1318A>T, p.Thr440Ser (NM_001407081.1, NM_001407088.1, NM_001407089.1 and 6 more transcripts); c.973A>T, p.Thr325Ser (NM_001407082.1, NM_001350650.2, NM_001350651.2); c.1360A>T, p.Thr454Ser (NM_001407083.1, NM_001407085.1); c.1339A>T, p.Thr447Ser (NM_001407087.1); c.1042A>T, p.Thr348Ser (NM_001407091.1, NM_001293192.2, NM_001293196.2); and 5 more; short protein forms T325S, T427S, T440S, T454S, T455S, T465S, T441S, T468S.
Identifiers: ClinVar variation 4113219 (VCV004113219.1).
Genomic context (GRCh38, chr1:45,331,256, plus strand): 5'-TGGAAACAGCTGCGGTGTGAAATTCCTCCTGCGTCAGCCAGCGAGCACCTGGTGGTACGG[T>A]GGTCACTGGGGTCTGCCCTTCCAAGGCCAGCCCATATACTTGATATGTCAGCTTGATGTG-3'
Protein context (NP_001041639.1, residues 430-450): LALEGQTPVT[Thr440Ser]VPPGARWLTQ